The following is an entry in ClinVar:

NM_005918.4(MDH2):c.784C>T (p.Leu262Phe)

Gene: MDH2 (malate dehydrogenase 2; plus strand). Cytogenetic location: 7q11.23.
Variant type: single nucleotide variant.
Coding change: c.784C>T on transcript NM_005918.4 (MANE Select); coding-DNA position 784, C replaced by T.
Protein change: p.Leu262Phe; replaces leucine 262 with phenylalanine.
Molecular consequence: missense variant.
Genome position (GRCh38, 1-based): chr7:76,064,852, C>T. VCF-style: chr7-76064852-C-T. GRCh37 (hg19) VCF-style: chr7-75694170-C-T.
Other names: c.658C>T, p.Leu220Phe (NM_001282403.2); c.463C>T, p.Leu155Phe (NM_001282404.2); short protein forms L155F, L220F, L262F.
Identifiers: ClinVar variation 1760879 (VCV001760879.2), dbSNP rs2535873153, ClinGen allele CA367768234.
Genomic context (GRCh38, chr7:76,064,852, plus strand): 5'-GCCCCCCTAGGCTCTGCCACCCTCTCCATGGCGTATGCCGGCGCCCGCTTTGTCTTCTCC[C>T]TTGTGGATGCAATGAATGGAAAGGAAGGTGTTGTGGAATGTTCCTTCGTTAAGTCACAGG-3'
Protein context (NP_005909.2, residues 252-272): AYAGARFVFS[Leu262Phe]VDAMNGKEGV

ClinVar aggregate classification (germline): Uncertain significance (1 of 4 stars; one submission).

Conditions:
Inborn genetic diseases. Identifiers: MedGen C0950123, MeSH D030342.

Allele frequency attached by ClinVar (database versions not stated): gnomAD exomes below 0.00001.

Submission:

Ambry Genetics
Classification: Uncertain significance for Inborn genetic diseases. Last evaluated: 2021-06-13. Review status: criteria provided, single submitter. Criteria: Ambry Variant Classification Scheme 2023. Collection method: clinical testing. Allele origin: germline.
Comment: The p.L262F variant (also known as c.784C>T), located in coding exon 8 of the MDH2 gene, results from a C to T substitution at nucleotide position 784. The leucine at codon 262 is replaced by phenylalanine, an amino acid with highly similar properties. This amino acid position is conserved. In addition, the in silico prediction for this alteration is inconclusive. Since supporting evidence is limited at this time, the clinical significance of this alteration remains unclear.